The following is an entry in ClinVar:

NM_000138.5(FBN1):c.6721G>C (p.Asp2241His)

Gene: FBN1 (fibrillin 1; minus strand). Cytogenetic location: 15q21.1.
Variant type: single nucleotide variant.
Coding change: c.6721G>C on transcript NM_000138.5 (MANE Select); coding-DNA position 6721, G replaced by C.
Protein change: p.Asp2241His; replaces aspartic acid 2241 with histidine.
Molecular consequence: missense variant.
Genome position (GRCh38, 1-based): chr15:48,432,884, C>G on the plus strand (G>C on the coding strand, the complement: FBN1 is on the minus strand). VCF-style: chr15-48432884-C-G. GRCh37 (hg19) VCF-style: chr15-48725081-C-G.
Other names: c.6721G>C, p.Asp2241His (NM_001406716.1); short protein forms D2241H.
Identifiers: ClinVar variation 2934416 (VCV002934416.5), dbSNP rs775411623, ClinGen allele CA057260.
Genomic context (GRCh38, chr15:48,432,884, plus strand): 5'-TAAAGCTTCCTGGCTTAGATGACCTTGAACACGATGACTCACCTTTGCACATCCTACGGT[C>G]TTCTCTGAGCACATATCCCACGGGACATTTGCATTCATATGACCCATAAGTGTTCACACA-3'
Protein context (NP_000129.3, residues 2231-2251): KCPVGYVLRE[Asp2241His]RRMCKDEDEC

ClinVar aggregate classification (germline): Uncertain significance. Review status: criteria provided, multiple submitters, no conflicts (2 of 4 stars). 3 submissions from 3 submitters: Uncertain significance (3). Last evaluated 2024-05-06.

Conditions:
Marfan syndrome (MFS). Also called: MARFAN SYNDROME, TYPE I; Marfan syndrome type 1; Marfan's syndrome; Marfan syndrome, classic; FBN1-Related Marfan Syndrome. Identifiers: Orphanet 284963, Orphanet 558, MedGen C0024796, MONDO:0007947, OMIM 154700.
Familial thoracic aortic aneurysm and aortic dissection (TAAD). Also called: Thoracic aortic aneurysms and dissections. Identifiers: Orphanet 91387, MedGen C4707243, MONDO:0019625.

Allele frequency attached by ClinVar (database versions not stated): ExAC 0.00001; TOPMed 0.00001; gnomAD exomes below 0.00001.
gnomAD v4.1: 1 of 1,613,692 alleles (0.000062%); highest among the groups gnomAD compares: Admixed American, 0.0017%; no homozygotes.

Submissions (3):

Labcorp Genetics (formerly Invitae), Labcorp
Classification: Uncertain significance for Marfan syndrome; Familial thoracic aortic aneurysm and aortic dissection. Last evaluated: 2024-05-06. Review status: criteria provided, single submitter. Criteria: Invitae Variant Classification Sherloc (09022015). Collection method: clinical testing. Allele origin: germline.
Comment: This sequence change replaces aspartic acid, which is acidic and polar, with histidine, which is basic and polar, at codon 2241 of the FBN1 protein (p.Asp2241His). This variant is present in population databases (rs775411623, gnomAD 0.003%). This variant has not been reported in the literature in individuals affected with FBN1-related conditions. Advanced modeling of protein sequence and biophysical properties (such as structural, functional, and spatial information, amino acid conservation, physicochemical variation, residue mobility, and thermodynamic stability) performed at Invitae indicates that this missense variant is expected to disrupt FBN1 protein function with a positive predictive value of 95%. In summary, the available evidence is currently insufficient to determine the role of this variant in disease. Therefore, it has been classified as a Variant of Uncertain Significance.

All of Us Research Program, National Institutes of Health
Classification: Uncertain significance for Marfan syndrome. Last evaluated: 2024-02-05. Review status: criteria provided, single submitter. Criteria: ACMG Guidelines, 2015. Collection method: clinical testing. Allele origin: germline. Inheritance: Autosomal dominant inheritance. Observed: 1 variant allele, 1 heterozygote.
Comment: This missense variant replaces aspartic acid with histidine at codon 2241 of the FBN1 protein. Computational prediction suggests that this variant may have deleterious impact on protein structure and function. To our knowledge, functional studies have not been reported for this variant. This variant has not been reported in individuals affected with FBN1-related disorders in the literature. This variant has been identified in 1/251024 chromosomes in the general population by the Genome Aggregation Database (gnomAD). The available evidence is insufficient to determine the role of this variant in disease conclusively. Therefore, this variant is classified as a Variant of Uncertain Significance.

This study involves interpretation of variants in research participants for the purpose of population health screening. Participant phenotype was not available at the time of variant classification. Additional details can be found in publication PMID: 35346344, PMCID: PMC8962531

Color Diagnostics, LLC DBA Color Health
Classification: Uncertain significance for Familial thoracic aortic aneurysm and aortic dissection. Last evaluated: 2024-01-26. Review status: criteria provided, single submitter. Criteria: ACMG Guidelines, 2015. Collection method: clinical testing. Allele origin: germline.
Comment: This missense variant replaces aspartic acid with histidine at codon 2241 of the FBN1 protein. Computational prediction suggests that this variant may have deleterious impact on protein structure and function. To our knowledge, functional studies have not been reported for this variant. This variant has not been reported in individuals affected with FBN1-related disorders in the literature. This variant has been identified in 1/251024 chromosomes in the general population by the Genome Aggregation Database (gnomAD). The available evidence is insufficient to determine the role of this variant in disease conclusively. Therefore, this variant is classified as a Variant of Uncertain Significance.